The following is an entry in ClinVar:

NM_032119.4(ADGRV1):c.2033A>G (p.His678Arg)

Gene: ADGRV1 (adhesion G protein-coupled receptor V1; plus strand). Cytogenetic location: 5q14.3.
Variant type: single nucleotide variant.
Coding change: c.2033A>G on transcript NM_032119.4 (MANE Select); coding-DNA position 2033, A replaced by G.
Protein change: p.His678Arg; replaces histidine 678 with arginine.
Molecular consequence: missense variant. On other transcripts: non-coding transcript variant (1).
Genome position (GRCh38, 1-based): chr5:90,637,741, A>G. VCF-style: chr5-90637741-A-G. GRCh37 (hg19) VCF-style: chr5-89933558-A-G.
Other names: short protein forms H678R.
Identifiers: ClinVar variation 1713748 (VCV001713748.5), dbSNP rs1289921890, ClinGen allele CA360383394.

ClinVar aggregate classification (germline): Uncertain significance (1 of 4 stars; one submission).

Allele frequency attached by ClinVar (database versions not stated): gnomAD 0.00001; gnomAD exomes 0.00001.
gnomAD v4.1: 5 of 1,610,890 alleles (0.00031%); highest among the groups gnomAD compares: Admixed American, 0.005%; no homozygotes.

Submission:

Labcorp Genetics (formerly Invitae), Labcorp
Classification: Uncertain significance. Last evaluated: 2022-07-15. Review status: criteria provided, single submitter. Criteria: Invitae Variant Classification Sherloc (09022015). Collection method: clinical testing. Allele origin: germline.
Comment: This sequence change replaces histidine, which is basic and polar, with arginine, which is basic and polar, at codon 678 of the ADGRV1 protein (p.His678Arg). This variant is present in population databases (no rsID available, gnomAD 0.005%). This variant has not been reported in the literature in individuals affected with ADGRV1-related conditions. Algorithms developed to predict the effect of missense changes on protein structure and function (SIFT, PolyPhen-2, Align-GVGD) all suggest that this variant is likely to be tolerated. In summary, the available evidence is currently insufficient to determine the role of this variant in disease. Therefore, it has been classified as a Variant of Uncertain Significance.